The following is an entry in ClinVar:

NM_016203.4(PRKAG2):c.186+20A>C

Gene: PRKAG2 (protein kinase AMP-activated non-catalytic subunit gamma 2; minus strand). Cytogenetic location: 7q36.1.
Variant type: single nucleotide variant.
Coding change: c.186+20A>C on transcript NM_016203.4 (MANE Select); 20 bases into the intron after coding-DNA position 186, A replaced by C.
Molecular consequence: intron variant.
Genome position (GRCh38, 1-based): chr7:151,786,450, T>G on the plus strand (A>C on the coding strand, the complement: PRKAG2 is on the minus strand). VCF-style: chr7-151786450-T-G. GRCh37 (hg19) VCF-style: chr7-151483536-T-G.
Other names: c.54+20A>C (NM_001040633.2).
Identifiers: ClinVar variation 382611 (VCV000382611.8), dbSNP rs771538031, ClinGen allele CA056276.

ClinVar aggregate classification (germline): Likely benign. Review status: criteria provided, multiple submitters, no conflicts (2 of 4 stars). 2 submissions from 2 submitters: Likely benign (2). Last evaluated 2025-11-20.

Conditions:
Lethal congenital glycogen storage disease of heart. Also called: PHOSPHORYLASE KINASE DEFICIENCY OF HEART; GLYCOGEN STORAGE DISEASE OF HEART. Identifiers: Orphanet 439854, MedGen C1849813, MONDO:0009867, OMIM 261740.

Allele frequency attached by ClinVar (database versions not stated): gnomAD exomes below 0.00001 and 0.00002; TOPMed below 0.00001; ExAC 0.00001.
gnomAD v4.1: 22 of 1,600,444 alleles (0.0014%); highest among the groups gnomAD compares: Non-Finnish European, 0.0018%; no homozygotes.

Submissions (2):

Labcorp Genetics (formerly Invitae), Labcorp
Classification: Likely benign for Lethal congenital glycogen storage disease of heart. Last evaluated: 2025-11-20. Review status: criteria provided, single submitter. Criteria: Invitae Variant Classification Sherloc (09022015). Collection method: clinical testing. Allele origin: germline.

GeneDx
Classification: Likely benign. Last evaluated: 2017-12-06. Review status: criteria provided, single submitter. Criteria: GeneDx Variant Classification (06012015). Collection method: clinical testing. Allele origin: germline. Affected: yes.
Comment: This variant is considered likely benign or benign based on one or more of the following criteria: it is a conservative change, it occurs at a poorly conserved position in the protein, it is predicted to be benign by multiple in silico algorithms, and/or has population frequency not consistent with disease.